The following is an entry in ClinVar:

ClinVar aggregate classification (germline): Uncertain significance (1 of 4 stars; one submission).

Allele frequency attached by ClinVar (database versions not stated): TOPMed below 0.00001; gnomAD exomes 0.00001; ExAC 0.00002.
gnomAD v4.1: 13 of 1,606,202 alleles (0.00081%); highest among the groups gnomAD compares: Middle Eastern, 0.017%; no homozygotes.

Submission:

Labcorp Genetics (formerly Invitae), Labcorp
Classification: Uncertain significance. Last evaluated: 2024-03-02. Review status: criteria provided, single submitter. Criteria: Invitae Variant Classification Sherloc (09022015). Collection method: clinical testing. Allele origin: germline.
Comment: This sequence change replaces arginine, which is basic and polar, with histidine, which is basic and polar, at codon 700 of the TAOK2 protein (p.Arg700His). This variant is present in population databases (rs749437354, gnomAD 0.01%). This variant has not been reported in the literature in individuals affected with TAOK2-related conditions. ClinVar contains an entry for this variant (Variation ID: 1942235). An algorithm developed to predict the effect of missense changes on protein structure and function (PolyPhen-2) suggests that this variant is likely to be tolerated. In summary, the available evidence is currently insufficient to determine the role of this variant in disease. Therefore, it has been classified as a Variant of Uncertain Significance.

NM_016151.4(TAOK2):c.2099G>A (p.Arg700His)

Gene: TAOK2 (TAO kinase 2; plus strand). Cytogenetic location: 16p11.2.
Variant type: single nucleotide variant.
Coding change: c.2099G>A on transcript NM_016151.4 (MANE Select); coding-DNA position 2099, G replaced by A.
Protein change: p.Arg700His; replaces arginine 700 with histidine.
Molecular consequence: missense variant.
Genome position (GRCh38, 1-based): chr16:29,986,371, G>A. VCF-style: chr16-29986371-G-A. GRCh37 (hg19) VCF-style: chr16-29997692-G-A.
Other names: c.2099G>A, p.Arg700His (NM_001252043.2, NM_004783.4); short protein forms R700H.
Identifiers: ClinVar variation 1942235 (VCV001942235.5), dbSNP rs749437354, ClinGen allele CA7998311.
Genomic context (GRCh38, chr16:29,986,371, plus strand): 5'-TGCTTCGGCAGCACGAGGCCACGCGGGAGCTGGAGCTGCGGCAGCTCCAGGCCGTGCAGC[G>A]CACGCGGGCTGAGCTCACCCGCCTGCAGCACCAGACGGAGCTGGGCAACCAGCTGGAGTA-3'
Protein context (NP_057235.2, residues 690-710): LELRQLQAVQ[Arg700His]TRAELTRLQH